The following is an entry in ClinVar:

NM_017763.6(RNF43):c.2126G>A (p.Arg709Lys)

Gene: RNF43 (ring finger protein 43; minus strand). Cytogenetic location: 17q22.
Variant type: single nucleotide variant.
Coding change: c.2126G>A on transcript NM_017763.6 (MANE Select); coding-DNA position 2126, G replaced by A.
Protein change: p.Arg709Lys; replaces arginine 709 with lysine.
Molecular consequence: missense variant.
Genome position (GRCh38, 1-based): chr17:58,357,650, C>T on the plus strand (G>A on the coding strand, the complement: RNF43 is on the minus strand). VCF-style: chr17-58357650-C-T. GRCh37 (hg19) VCF-style: chr17-56435011-C-T.
Other names: c.2126G>A, p.Arg709Lys (NM_001305544.3); c.1745G>A, p.Arg582Lys (NM_001305545.2); short protein forms R709K, R582K.
Identifiers: ClinVar variation 3434528 (VCV003434528.1).
Genomic context (GRCh38, chr17:58,357,650, plus strand): 5'-AGGCACAACCACACTGGCTGTGAATTTGAGTAACAGGGGCCTGGGGTTTCTGGTAGCAGC[C>T]TCTTGTCCAGGCCTGGAGGTCCACAGATCAAGGGGTGTGCCTCTGGGGACCAAGGATATG-3'
Protein context (NP_060233.3, residues 699-719): LICGPPGLDK[Arg709Lys]LLPETPGPCY

ClinVar aggregate classification (germline): Uncertain significance (1 of 4 stars; one submission).

gnomAD v4.1: 1 of 1,613,740 alleles (0.000062%); highest among the groups gnomAD compares: African/African-American, 0.0013%; no homozygotes.

Submission:

Ambry Genetics
Classification: Uncertain significance. Last evaluated: 2024-11-28. Review status: criteria provided, single submitter. Criteria: Ambry Variant Classification Scheme 2023. Collection method: clinical testing. Allele origin: germline.
Comment: The p.R709K variant (also known as c.2126G>A), located in coding exon 8 of the RNF43 gene, results from a G to A substitution at nucleotide position 2126. The arginine at codon 709 is replaced by lysine, an amino acid with highly similar properties. This amino acid position is conserved. In addition, this alteration is predicted to be tolerated by in silico analysis. Based on the available evidence, the clinical significance of this variant remains unclear.